The following is an entry in ClinVar:

ClinVar aggregate classification (germline): Pathogenic. Review status: criteria provided, multiple submitters, no conflicts (2 of 4 stars). 2 submissions from 2 submitters: Pathogenic (2). Last evaluated 2025-03-31.

Conditions:
FOXF1-related disorder. Also called: FOXF1-related condition.
Alveolar capillary dysplasia with pulmonary venous misalignment. Also called: ALVEOLAR CAPILLARY DYSPLASIA WITH MISALIGNMENT OF PULMONARY VEINS AND OTHER CONGENITAL ANOMALIES; Congenital alveolar capillary dysplasia; Alveolar capillary dysplasia with misalignment of pulmonary veins. Identifiers: Orphanet 210122, MedGen C2960310, MONDO:0009934, OMIM 265380.

Submissions (2):

Rady Children's Institute for Genomic Medicine, Rady Children's Hospital San Diego
Classification: Pathogenic for Alveolar capillary dysplasia with misalignment of pulmonary veins. Last evaluated: 2025-03-31. Review status: criteria provided, single submitter. Criteria: ACMG Guidelines, 2015. Collection method: clinical testing. Allele origin: germline. Affected: yes.
Comment: This nonsense variant found in exon 1 of 2 is predicted to result in loss of normal protein function through either protein truncation or nonsense-mediated mRNA decay. Loss-of-function variation in FOXF1 is an established mechanism of disease in alveolar capillary dysplasia with misalignment of pulmonary veins (ACDMPV) (PMID: 23505205, 19500772). This variant has been previously reported as a heterozygous change in a patient with ACDMPV (PMID: 23505205). The c.310G>T (p.Glu104Ter) variant is absent from the latest version of the gnomAD population database and thus is presumed to be rare. Based on parental analysis, this variant likely occurred as a de novo event. Based on the available evidence, c.310G>T (p.Glu104Ter) is classified as Pathogenic.

PreventionGenetics, part of Exact Sciences
Classification: Pathogenic for FOXF1-related condition. Last evaluated: 2022-11-18. Review status: criteria provided, single submitter. Criteria: ACMG Guidelines, 2015. Collection method: clinical testing. Allele origin: germline.
Comment: The FOXF1 c.310G>T variant is predicted to result in premature protein termination (p.Glu104*). This variant was reported in an individual with Alveolar capillary dysplasia / misalignment of pulmonary veins (Sen et al 2013. PubMed ID: 23505205). This variant has not been reported in a large population database, indicating this variant is rare. Nonsense variants in FOXF1 are expected to be pathogenic. This variant is interpreted as pathogenic.

Literature cited by the submitters: PubMed 23505205 (cited by Rady Children's Institute for Genomic Medicine, Rady Children's Hospital San Diego); PubMed 19500772 (cited by Rady Children's Institute for Genomic Medicine, Rady Children's Hospital San Diego).

NM_001451.3(FOXF1):c.310G>T (p.Glu104Ter)

Gene: FOXF1 (forkhead box F1; plus strand). Cytogenetic location: 16q24.1.
Variant type: single nucleotide variant.
Coding change: c.310G>T on transcript NM_001451.3 (MANE Select); coding-DNA position 310, G replaced by T.
Protein change: p.Glu104Ter; replaces glutamic acid 104 with a stop codon.
Molecular consequence: nonsense.
Genome position (GRCh38, 1-based): chr16:86,510,879, G>T. VCF-style: chr16-86510879-G-T. GRCh37 (hg19) VCF-style: chr16-86544485-G-T.
Other names: short protein forms E104*.
Identifiers: ClinVar variation 2635136 (VCV002635136.2), dbSNP rs751560567, ClinGen allele CA397005960.